The following is an entry in ClinVar:

NM_001430.5(EPAS1):c.221G>C (p.Cys74Ser)

Gene: EPAS1 (endothelial PAS domain protein 1; plus strand). Cytogenetic location: 2p21.
Variant type: single nucleotide variant.
Coding change: c.221G>C on transcript NM_001430.5 (MANE Select); coding-DNA position 221, G replaced by C.
Protein change: p.Cys74Ser; replaces cysteine 74 with serine.
Molecular consequence: missense variant.
Genome position (GRCh38, 1-based): chr2:46,356,154, G>C. VCF-style: chr2-46356154-G-C. GRCh37 (hg19) VCF-style: chr2-46583293-G-C.
Other names: short protein forms C74S.
Identifiers: ClinVar variation 1787913 (VCV001787913.2), dbSNP rs1366740464, ClinGen allele CA346697667.

ClinVar aggregate classification (germline): Uncertain significance (1 of 4 stars; one submission).

Conditions:
Inborn genetic diseases. Identifiers: MedGen C0950123, MeSH D030342.

Allele frequency attached by ClinVar (database versions not stated): gnomAD exomes below 0.00001.
gnomAD v4.1: 1 of 1,342,644 alleles (0.000074%); highest among the groups gnomAD compares: South Asian, 0.0012%; no homozygotes.

Submission:

Ambry Genetics
Classification: Uncertain significance for Inborn genetic diseases. Last evaluated: 2022-04-19. Review status: criteria provided, single submitter. Criteria: Ambry Variant Classification Scheme 2023. Collection method: clinical testing. Allele origin: germline.
Comment: The p.C74S variant (also known as c.221G>C), located in coding exon 3 of the EPAS1 gene, results from a G to C substitution at nucleotide position 221. The cysteine at codon 74 is replaced by serine, an amino acid with dissimilar properties. This amino acid position is conserved. In addition, this alteration is predicted to be tolerated by in silico analysis. Since supporting evidence is limited at this time, the clinical significance of this alteration remains unclear.